The following is an entry in ClinVar:

NM_001127208.3(TET2):c.1298_1322dup (p.Ser441fs)

Genes: TET2 (tet methylcytosine dioxygenase 2; plus strand), TET2-AS1 (TET2 antisense RNA 1; minus strand). Cytogenetic location: 4q24.
Variant type: Duplication.
Coding change: c.1298_1322dup on transcript NM_001127208.3 (MANE Select); coding-DNA positions 1298 to 1322, 25 bases duplicated (AACACCACCACTACCCCAACCAAAG).
Protein change: p.Ser441fs; shifts the reading frame from serine 441.
Molecular consequence: frameshift variant.
Genome position (GRCh38, 1-based): chr4:105,235,240-105,235,264, AACACCACCACTACCCCAACCAAAG duplicated; duplicating any 25 consecutive bases within chr4:105,235,237-105,235,264 gives the same sequence; the c. name uses the placement nearest the transcript's 3' end. VCF-style (leftmost placement, unchanged base first): chr4-105235236-G-GAAGAACACCACCACTACCCCAACCA. GRCh37 (hg19) VCF-style: chr4-106156393-G-GAAGAACACCACCACTACCCCAACCA.
Other names: c.1298_1322dup, p.Ser441fs (NM_017628.4); short protein forms S441fs.
Identifiers: ClinVar variation 3651862 (VCV003651862.2).

ClinVar aggregate classification (germline): Pathogenic (1 of 4 stars; one submission).

Submission:

Labcorp Genetics (formerly Invitae), Labcorp
Classification: Pathogenic. Last evaluated: 2025-03-13. Review status: criteria provided, single submitter. Criteria: Invitae Variant Classification Sherloc (09022015). Collection method: clinical testing. Allele origin: germline.
Comment: This sequence change creates a premature translational stop signal (p.Ser441Argfs*10) in the TET2 gene. It is expected to result in an absent or disrupted protein product. Loss-of-function variants in TET2 are known to be pathogenic (PMID: 36066697). This variant is not present in population databases (gnomAD no frequency). This variant has not been reported in the literature in individuals affected with TET2-related conditions. For these reasons, this variant has been classified as Pathogenic.

Literature cited by the submitters: PubMed 36066697.